The following is an entry in ClinVar:

ClinVar aggregate classification (germline): Uncertain significance (1 of 4 stars; one submission).

Conditions:
Syndromic disease. Identifiers: MedGen C0039082, MONDO:0002254.

Submission:

Victorian Clinical Genetics Services, Murdoch Childrens Research Institute
Classification: Uncertain significance for Syndromic disease. Last evaluated: 2024-09-20. Review status: criteria provided, single submitter. Criteria: ACMG Guidelines, 2015. Collection method: clinical testing. Allele origin: germline. Inheritance: Autosomal dominant inheritance. Affected: yes.
Comment: Based on the classification scheme VCGS_Germline_v1.3.4, this variant is classified as VUS-3A. Following criteria are met: 0101 - Gain of function is a suggested mechanism of disease in this gene and is associated with CLDN5-related syndromic disease (MONDO:0002254). Over-expression of patient CLDN5 missense variants in a zebrafish model disrupts embryogenesis and impairs tight junction formation (PMID: 36477332). Additionally, transfected cell lines with the c.178G>A variant showed higher chloride ion permeability and lower sodium ion permeability when compared to wildtype, indicating anion-selective permeability (PMID: 35714222). (I) 0107 - This gene is associated with autosomal dominant disease. (I) 0216 - In-frame deletion in a non-repetitive region that has moderate conservation. (SP) 0251 - This variant is heterozygous. (I) 0301 - Variant is absent from gnomAD (both v2 and v3). (SP) 0600 - Variant is located in the annotated PMP22_Claudin domain (DECIPHER). (I) 0705 - No comparable in-frame variants have previous evidence for pathogenicity. (I) 0807 - This variant has no previous evidence of pathogenicity. (I) 0905 - No published segregation evidence has been identified for this variant. (I) 1007 - No published functional evidence has been identified for this variant. (SP) Legend: (SP) - Supporting pathogenic, (I) - Information, (SB) - Supporting benign

Literature cited by the submitters: PubMed 35714222; PubMed 36477332.

NM_001363066.2(CLDN5):c.422_424del (p.Asn141del)

Gene: CLDN5 (claudin 5; minus strand). Cytogenetic location: 22q11.21.
Variant type: Deletion.
Coding change: c.422_424del on transcript NM_001363066.2 (MANE Select); coding-DNA positions 422 to 424, 3 bases deleted (ACA; older notation c.422_424delACA).
Protein change: p.Asn141del; deletes asparagine 141.
Genome position (GRCh38, 1-based): chr22:19,523,832-19,523,834, TGT deleted on the plus strand (ACA on the coding strand, the reverse complement: CLDN5 is on the minus strand); deleting any 3 consecutive bases within chr22:19,523,832-19,523,836 gives the same sequence; the c. name uses the placement nearest the transcript's 3' end. VCF-style (leftmost placement, unchanged base first): chr22-19523831-ATGT-A. GRCh37 (hg19) VCF-style: chr22-19511354-ATGT-A.
Other names: c.677_679del, p.Asn226del (NM_001130861.1, NM_001363067.2, NM_003277.4); c.422_424delACA (NM_001363066.2); short protein forms N141del, N226del.
Identifiers: ClinVar variation 3376826 (VCV003376826.1).